The following is an entry in ClinVar:

NM_005523.6(HOXA11):c.512C>A (p.Ala171Glu)

Genes: HOXA11 (homeobox A11; minus strand), LOC107126281 (NUP98-HOXA11 recombination region; plus strand). Cytogenetic location: 7p15.2.
Variant type: single nucleotide variant.
Coding change: c.512C>A on transcript NM_005523.6 (MANE Select); coding-DNA position 512, C replaced by A.
Protein change: p.Ala171Glu; replaces alanine 171 with glutamic acid.
Molecular consequence: missense variant.
Genome position (GRCh38, 1-based): chr7:27,184,633, G>T on the plus strand (C>A on the coding strand, the complement: HOXA11 is on the minus strand). VCF-style: chr7-27184633-G-T. GRCh37 (hg19) VCF-style: chr7-27224252-G-T.
Other names: short protein forms A171E.
Identifiers: ClinVar variation 2443145 (VCV002443145.4), dbSNP rs775223385, ClinGen allele CA4198398.
Genomic context (GRCh38, chr7:27,184,633, plus strand): 5'-CTTGAAGTTGCCGGCGCGCCCGTTGCAGCCGCCGCCGCCGCCGCGGAGGTCGCCGTGGCC[G>T]CCGGGGGCCCCTTCTCGGCGCTCTTGTCCCCGGGGTAGTCGGAGGAGGCGAGGTTTTCCG-3'
Protein context (NP_005514.1, residues 161-181): GDKSAEKGPP[Ala171Glu]ATATSAAAAA

ClinVar aggregate classification (germline): Likely benign. Review status: no assertion criteria provided (0 of 4 stars). 2 submissions from 2 submitters: Likely benign (2). Last evaluated 2022-09-27.

Conditions:
HOXA11-related disorder. Also called: HOXA11-related condition.

Allele frequency attached by ClinVar (database versions not stated): ExAC 0.00205.

Submissions (2):

PreventionGenetics, part of Exact Sciences
Classification: Likely benign for HOXA11-related condition. Last evaluated: 2022-09-27. Review status: no assertion criteria provided. Collection method: clinical testing. Allele origin: germline.
Comment: This variant is classified as likely benign based on ACMG/AMP sequence variant interpretation guidelines (Richards et al. 2015 PMID: 25741868, with internal and published modifications).

Genetic Services Laboratory, University of Chicago
Classification: Likely benign. Last evaluated: 2022-09-22. Review status: no assertion criteria provided. Collection method: clinical testing. Allele origin: germline. Affected: no.